The following continues an entry in ClinVar:

NM_002834.5(PTPN11):c.181G>A (p.Asp61Asn)

Gene: PTPN11. ClinVar aggregate classification (germline): Pathogenic. Pathogenic (22).

Submissions 12 to 25 of 25:

Centro Nacional de Genética Medica, Administración Nacional de Laboratorios e Institutos de Salud (ANLIS) “Dr. Carlos G Malbrán”
Classification: Pathogenic. Last evaluated: 2022-02-02. Review status: criteria provided, single submitter. Criteria: ACMG Guidelines, 2015. Collection method: clinical testing. Allele origin: germline. Affected: yes.

Genetic Services Laboratory, University of Chicago
Classification: Pathogenic. Last evaluated: 2019-11-15. Review status: criteria provided, single submitter. Criteria: ACMG Guidelines, 2015. Collection method: clinical testing. Allele origin: germline. Affected: yes.
Comment: DNA sequence analysis of the PTPN11 gene demonstrated a sequence change, c.181G>A, in exon 3 that results in an amino acid change, p.Asp61Asn. This sequence change has not been reported in population databases (gnomAD, ExAC). The p.Asp61Asn change has been identified in several individuals with Noonan syndrome (PMIDs: 11992261, 26242988, 27521173). Other variants at the same amino acid residue (p.Asp61Ala, p.Asp61His, p.Asp61Gly) have also been reported as pathogenic for Noonan syndrome (PMIDs: 19927903, 11704759, 20112233). Functional studies showed that PTPN11 phosphatase activity increased in the presence of this variant (PMID: 15834506). The p.Asp61Asn change affects a highly conserved amino acid residue located in the N-SH2 domain of the PTPN11 protein, which is known to be functional. In-silico pathogenicity prediction tools (PolyPhen2, Align GVGD, REVEL) predict this variant to be deleterious.

Women's Health and Genetics/Laboratory Corporation of America, LabCorp
Classification: Pathogenic for RASopathy. Last evaluated: 2019-08-06. Review status: criteria provided, single submitter. Criteria: LabCorp Variant Classification Summary - May 2015. Collection method: clinical testing. Allele origin: germline.
Comment: Variant summary: PTPN11 c.181G>A (p.Asp61Asn) results in a conservative amino acid change located in the SH2 domain of the encoded protein sequence. Four of five in-silico tools predict a damaging effect of the variant on protein function. The variant was absent in 252048 control chromosomes. c.181G>A has been reported in the literature in multiple individuals affected with Noonan Syndrome and Related Conditions. These data indicate that the variant is very likely to be associated with disease. At least one publication reports experimental evidence evaluating an impact on protein function. The most pronounced variant effect results in <10% of normal activity. Six clinical diagnostic laboratories have submitted clinical-significance assessments for this variant to ClinVar after 2014 without evidence for independent evaluation. All laboratories classified the variant as pathogenic/likely pathogenic. Based on the evidence outlined above, the variant was classified as pathogenic.

Ambry Genetics
Classification: Pathogenic for Cardiovascular phenotype. Last evaluated: 2019-05-16. Review status: criteria provided, single submitter. Criteria: Ambry Variant Classification Scheme 2023. Collection method: clinical testing. Allele origin: germline.
Comment: The p.D61N pathogenic mutation (also known as c.181G>A), located in coding exon 3 of the PTPN11 gene, results from a G to A substitution at nucleotide position 181. The aspartic acid at codon 61 is replaced by asparagine, an amino acid with highly similar properties. This pathogenic variant has been reported in multiple individuals with confirmed or suspected Noonan syndrome, including multiple de novo cases (Tartaglia M et al. Am. J. Hum. Genet., 2002 Jun;70:1555-63; Ferreira LV et al. J. Clin. Endocrinol. Metab., 2005 Sep;90:5156-60; Ferrero GB et al. Eur J Med Genet Jul;51:566-72; Derbent M et al. Am. J. Med. Genet. A, 2010 Nov;152A:2768-74; Lee BH et al. J. Pediatr., 2011 Dec;159:1029-35; Pasmant E et al. Am. J. Med. Genet. A, 2012 Sep;158A:2290-1; Strullu M et al. J. Med. Genet., 2014 Oct;51:689-97; van Trier DC et al. Int. J. Pediatr. Otorhinolaryngol., 2015 Jun;79:874-8; Atik T et al. Indian J Pediatr, 2016 Jun;83:517-21; Joyce S et al. Eur. J. Hum. Genet., 2016 May;24:690-6). This variant is located in the NSH2 domain, which interacts with the PTP domain to regulate switching of the resulting protein between its inactive and active conformations (Tartaglia M et al. Nat. Genet., 2001 Dec;29:465-8; Tartaglia M et al. Am. J. Hum. Genet., 2006 Feb;78:279-90) and other disease-causing variants at the same codon (p.D61G, p.D61H, p.D61A) have been described (Strullu M et al. J. Med. Genet., 2014 Oct;51:689-97; Tartaglia M et al. Am. J. Hum. Genet., 2002 Jun;70:1555-63). Based on the supporting evidence, this alteration is interpreted as a disease-causing mutation.

Genome Diagnostics Laboratory, The Hospital for Sick Children
Classification: Pathogenic for Noonan syndrome and Noonan-related syndrome. Last evaluated: 2018-08-01. Review status: criteria provided, single submitter. Criteria: ACMG Guidelines, 2015. Collection method: clinical testing. Allele origin: germline. Affected: yes.

ARUP Laboratories, Molecular Genetics and Genomics, ARUP Laboratories
Classification: Pathogenic. Last evaluated: 2017-08-18. Review status: criteria provided, single submitter. Criteria: ARUP Molecular Germline Variant Investigation Process. Collection method: clinical testing. Allele origin: germline.

Laboratory for Molecular Medicine, Mass General Brigham Personalized Medicine
Classification: Pathogenic for Noonan syndrome. Last evaluated: 2016-05-27. Review status: criteria provided, single submitter. Criteria: LMM Criteria. Collection method: clinical testing. Allele origin: germline. Observed: 14 variant alleles.
Comment: The p.Asp61Asn variant in PTPN11 has been previously reported in >20 individuals with clinical features of Noonan syndrome (Tartaglia 2002, Tartaglia 2006, Stru llu 2014, LMM data), and at least 4 of whom also had a myoproliferative disorder including juvenile myelomonocytic leukemia (JMML; Loh 2004, Strullu 2014). It i s also absent from large population studies. Computational prediction tools and conservation analysis suggest that the p.Asp61Asn variant may impact the protein , though this information is not predictive enough to determine pathogenicity. I n summary, this variant meets our criteria to be classified as pathogenic for No onan syndrome in an autosomal dominant manner based upon prevalence in affected probands and absence from controls.

Center for Genomics, Ann and Robert H. Lurie Children's Hospital of Chicago
Classification: Pathogenic for Noonan syndrome 1; LEOPARD syndrome 1. Review status: criteria provided, single submitter. Criteria: ACMG Guidelines, 2015. Collection method: clinical testing. Allele origin: germline.
Comment: PTPN11 NM_002834.3 exon3 p.Asp61Asn (c.181G>A): This variant has been reported in the literature in at least 7 individuals with Noonan syndrome, including some individuals with juvenile myelomonocytic leukemia (JMML) (Tartaglia 2002 PMID:11992261, Strullu 2014 PMID:25097206, Joyce 2016 PMID:26242988, Van Trier 2016 PMID:27521173). This variant is not present in large control databases. This variant is present in ClinVar (Variation ID:40495). Evolutionary conservation and computational predictive tools suggest that this variant may impact the protein. Of note, this variant occurs within the N-SH2/PTP interaction domain, a critical region for the function of this gene, and increases the likelihood that this variant is damaging (Tartaglia 2002 PMID: 11992261. Strullu 2014 PMID:25097206). Several variants at this codon (p.Asp61Gly, p.Asp61Ala, p.Asp61His) have been reported in association with Noonan syndrome and as a de novo, suggesting that this codon may be particularly important. In summary, this variant is classified as pathogenic based on the data above (number of probands, absence from controls, presence in functionally critical region).

Center for Genomics, Ann and Robert H. Lurie Children's Hospital of Chicago
Classification: Pathogenic for Noonan syndrome 1; LEOPARD syndrome 1; Metachondromatosis; Juvenile myelomonocytic leukemia. Review status: criteria provided, single submitter. Criteria: ACMG Guidelines, 2015. Collection method: clinical testing. Allele origin: germline.
Comment: the same text as in the submission from Center for Genomics, Ann and Robert H. Lurie Children's Hospital of Chicago above.

Centre for Human Genetics
Classification: Pathogenic for Noonan syndrome 1. Review status: criteria provided, single submitter. Criteria: ACMG Guidelines, 2015. Collection method: clinical testing. Allele origin: de novo. Inheritance: Autosomal dominant inheritance. Affected: yes. Observed: 1 variant allele.
Comment: c.181G>A change in exon 3 that results in an amino acid change p.Asp61Asn that affects a highly conserved amino acid residue located in the N-SH2 domain of the PTPN11 protein. This change identified in several individuals with Noonan syndrome and many in-silico tools predict a damaging effect of the variant on protein function.

Clinical Genetics Service, Universitary Hospital 12 de Octubre
Classification: Pathogenic for Noonan syndrome 1. Review status: criteria provided, single submitter. Criteria: ACMG Guidelines, 2015. Collection method: clinical testing. Allele origin: germline. Affected: yes.

Greenwood Genetic Center Diagnostic Laboratories, Greenwood Genetic Center
Classification: Pathogenic. Last evaluated: 2015-01-15. Review status: no assertion criteria provided. Collection method: clinical testing. Allele origin: germline. Not counted in ClinVar's aggregate classification.

Clinical Genetics DNA and cytogenetics Diagnostics Lab, Erasmus MC, Erasmus Medical Center
Classification: Pathogenic. Review status: no assertion criteria provided. Collection method: clinical testing. Allele origin: germline. Affected: yes. Study: VKGL Data-share Consensus. Not counted in ClinVar's aggregate classification.

Joint Genome Diagnostic Labs from Nijmegen and Maastricht, Radboudumc and MUMC+
Classification: Pathogenic. Review status: no assertion criteria provided. Collection method: clinical testing. Allele origin: germline. Affected: yes. Study: VKGL Data-share Consensus. Not counted in ClinVar's aggregate classification.

Literature cited by the submitters: PubMed 15834506 (cited by 3 submitters); PubMed 16358218 (cited by 5 submitters); PubMed 24150203 (cited by Labcorp Genetics (formerly Invitae), Labcorp and New York Genome Center); PubMed 26242988 (cited by 3 submitters); PubMed 27521173 (cited by Labcorp Genetics (formerly Invitae), Labcorp and New York Genome Center); PubMed 15273746 (cited by Labcorp Genetics (formerly Invitae), Labcorp); PubMed 23321623 (cited by Labcorp Genetics (formerly Invitae), Labcorp); PubMed 11992261 (cited by 5 submitters); PubMed 11704759 (cited by 3billion and Ambry Genetics); PubMed 29907801 (cited by Mayo Clinic Laboratories, Mayo Clinic and New York Genome Center); PubMed 35418823 (cited by Mayo Clinic Laboratories, Mayo Clinic); PubMed 35885957 (cited by Mayo Clinic Laboratories, Mayo Clinic); PubMed 22847776 (cited by New York Genome Center and Ambry Genetics); PubMed 26918529 (cited by New York Genome Center); PubMed 32164556 (cited by New York Genome Center); PubMed 15956085 (cited by Ambry Genetics); PubMed 18678287 (cited by Ambry Genetics); PubMed 20954246 (cited by Ambry Genetics); PubMed 21784453 (cited by Ambry Genetics); PubMed 25097206 (cited by Ambry Genetics and Laboratory for Molecular Medicine, Mass General Brigham Personalized Medicine); PubMed 25862627 (cited by Ambry Genetics); PubMed 26817465 (cited by Ambry Genetics); PubMed 15928039 (cited by Laboratory for Molecular Medicine, Mass General Brigham Personalized Medicine); PubMed 14644997 (cited by Laboratory for Molecular Medicine, Mass General Brigham Personalized Medicine); PubMed 15842656 (cited by Laboratory for Molecular Medicine, Mass General Brigham Personalized Medicine); PubMed 23832011 (cited by Laboratory for Molecular Medicine, Mass General Brigham Personalized Medicine).